The following is an entry in ClinVar:

ClinVar aggregate classification (germline): Uncertain significance (1 of 4 stars; one submission).

Submission:

Labcorp Genetics (formerly Invitae), Labcorp
Classification: Uncertain significance. Last evaluated: 2023-03-04. Review status: criteria provided, single submitter. Criteria: Invitae Variant Classification Sherloc (09022015). Collection method: clinical testing. Allele origin: germline.
Comment: In summary, the available evidence is currently insufficient to determine the role of this variant in disease. Therefore, it has been classified as a Variant of Uncertain Significance. Advanced modeling of protein sequence and biophysical properties (such as structural, functional, and spatial information, amino acid conservation, physicochemical variation, residue mobility, and thermodynamic stability) performed at Invitae indicates that this missense variant is not expected to disrupt GNA11 protein function. ClinVar contains an entry for this variant (Variation ID: 2174152). This variant has not been reported in the literature in individuals affected with GNA11-related conditions. This variant is not present in population databases (gnomAD no frequency). This sequence change replaces proline, which is neutral and non-polar, with serine, which is neutral and polar, at codon 262 of the GNA11 protein (p.Pro262Ser).

NM_002067.5(GNA11):c.784C>T (p.Pro262Ser)

Gene: GNA11 (G protein subunit alpha 11; plus strand). Cytogenetic location: 19p13.3.
Variant type: single nucleotide variant.
Coding change: c.784C>T on transcript NM_002067.5 (MANE Select); coding-DNA position 784, C replaced by T.
Protein change: p.Pro262Ser; replaces proline 262 with serine.
Molecular consequence: missense variant.
Genome position (GRCh38, 1-based): chr19:3,119,254, C>T. VCF-style: chr19-3119254-C-T. GRCh37 (hg19) VCF-style: chr19-3119252-C-T.
Other names: short protein forms P262S.
Identifiers: ClinVar variation 2174152 (VCV002174152.4), dbSNP rs2512096564, ClinGen allele CA403310959.
Genomic context (GRCh38, chr19:3,119,254, plus strand): 5'-CGCTCCCGCCAGAACCGGATGGAGGAGAGCAAAGCCCTGTTCCGGACCATCATCACCTAC[C>T]CCTGGTTCCAGAACTCCTCCGTCATCCTCTTCCTCAACAAGAAGGACCTGCTGGAGGACA-3'
Protein context (NP_002058.2, residues 252-272): KALFRTIITY[Pro262Ser]WFQNSSVILF